The following is an entry in ClinVar:

ClinVar aggregate classification (germline): Pathogenic (1 of 4 stars; one submission).

Submission:

GeneDx
Classification: Pathogenic. Last evaluated: 2025-11-21. Review status: criteria provided, single submitter. Criteria: GeneDx Variant Classification Process June 2021. Collection method: clinical testing. Allele origin: germline. Affected: yes.
Comment: In silico analysis suggests that this missense variant does not alter protein structure/function; Not observed at significant frequency in large population cohorts (gnomAD); Has not been previously published as pathogenic or benign to our knowledge

NM_052876.4(NACC1):c.385G>A (p.Asp129Asn)

Gene: NACC1 (nucleus accumbens associated 1; plus strand). Cytogenetic location: 19p13.13.
Variant type: single nucleotide variant.
Coding change: c.385G>A on transcript NM_052876.4 (MANE Select); coding-DNA position 385, G replaced by A.
Protein change: p.Asp129Asn; replaces aspartic acid 129 with asparagine.
Molecular consequence: missense variant.
Genome position (GRCh38, 1-based): chr19:13,135,592, G>A. VCF-style: chr19-13135592-G-A. GRCh37 (hg19) VCF-style: chr19-13246406-G-A.
Other names: short protein forms D129N.
Identifiers: ClinVar variation 1700963 (VCV001700963.5), dbSNP rs2145623385, ClinGen allele CA404325258.
Genomic context (GRCh38, chr19:13,135,592, plus strand): 5'-ATCCAGGAGATCATGGAGAAGGGCACCGAGTTCTTCCTCAAGGTGAGCTCCCCGAGCTGC[G>A]ACTCCCAGGGCCTGCATGCGGAGGAGGCCCCATCGTCGGAGCCCCAGAGCCCCGTGGCGC-3'
Protein context (NP_443108.1, residues 119-139): FFLKVSSPSC[Asp129Asn]SQGLHAEEAP